The following is an entry in ClinVar:

NM_194248.3(OTOF):c.5233G>A (p.Val1745Ile)

Gene: OTOF (otoferlin; minus strand). Cytogenetic location: 2p23.3.
Variant type: single nucleotide variant.
Coding change: c.5233G>A on transcript NM_194248.3 (MANE Select); coding-DNA position 5233, G replaced by A.
Protein change: p.Val1745Ile; replaces valine 1745 with isoleucine.
Molecular consequence: missense variant.
Genome position (GRCh38, 1-based): chr2:26,462,141, C>T on the plus strand (G>A on the coding strand, the complement: OTOF is on the minus strand). VCF-style: chr2-26462141-C-T. GRCh37 (hg19) VCF-style: chr2-26685009-C-T.
Other names: c.5233G>A, p.Val1745Ile (NM_001287489.2); c.2932G>A, p.Val978Ile (NM_004802.4, NM_194323.3); c.3163G>A, p.Val1055Ile (NM_194322.3); short protein forms V1055I, V1745I, V978I.
Identifiers: ClinVar variation 2504417 (VCV002504417.1), dbSNP rs370539347, ClinGen allele CA1562883.

ClinVar aggregate classification (germline): Uncertain significance (1 of 4 stars; one submission).

Allele frequency attached by ClinVar (database versions not stated): gnomAD exomes below 0.00001; ExAC 0.00001; ESP Exome Variant Server 0.00008.
gnomAD v4.1: 3 of 1,613,928 alleles (0.00019%); highest among the groups gnomAD compares: Non-Finnish European, 0.00025%; no homozygotes.

Submission:

GeneDx
Classification: Uncertain significance. Last evaluated: 2022-12-01. Review status: criteria provided, single submitter. Criteria: GeneDx Variant Classification Process June 2021. Collection method: clinical testing. Allele origin: germline. Affected: yes.
Comment: Not observed at significant frequency in large population cohorts (gnomAD); In silico analysis supports that this missense variant does not alter protein structure/function; Has not been previously published as pathogenic or benign to our knowledge